The following is an entry in ClinVar:

ClinVar aggregate classification (germline): Uncertain significance (1 of 4 stars; one submission).

Submission:

CeGaT Center for Human Genetics Tuebingen
Classification: Uncertain significance. Last evaluated: 2024-01-01. Review status: criteria provided, single submitter. Criteria: CeGaT Center For Human Genetics Tuebingen Variant Classification Criteria Version 2. Collection method: clinical testing. Allele origin: germline. Affected: yes. Observed: 1 variant allele.
Comment: FOXP1: PM2, BP4

NM_001349338.3(FOXP1):c.180+212G>A

Gene: FOXP1 (forkhead box P1; minus strand). Cytogenetic location: 3p13.
Variant type: single nucleotide variant.
Coding change: c.180+212G>A on transcript NM_001349338.3 (MANE Select); 212 bases into the intron after coding-DNA position 180, G replaced by A.
Molecular consequence: intron variant. On other transcripts: missense variant (1).
Genome position (GRCh38, 1-based): chr3:71,197,990, C>T on the plus strand (G>A on the coding strand, the complement: FOXP1 is on the minus strand). VCF-style: chr3-71197990-C-T. GRCh37 (hg19) VCF-style: chr3-71247141-C-T.
Other names: c.259G>A, p.Glu87Lys (NM_001012505.2); c.180+212G>A (NM_001244810.2, NM_032682.6, NM_001349340.3 and 5 more transcripts); short protein forms E87K.
Identifiers: ClinVar variation 3026929 (VCV003026929.22), dbSNP rs866731631, ClinGen allele CA77135928.